The following is an entry in ClinVar:

ClinVar aggregate classification (germline): Uncertain significance. Review status: criteria provided, multiple submitters, no conflicts (2 of 4 stars). 2 submissions from 2 submitters: Uncertain significance (2). Last evaluated 2024-03-08.

Conditions:
Hereditary cancer-predisposing syndrome. Also called: Tumor predisposition; Hereditary neoplastic syndrome; Neoplastic Syndromes, Hereditary; Hereditary Cancer Syndrome. Identifiers: Orphanet 140162, MedGen C0027672, MeSH D009386, MONDO:0015356.

Submissions (2):

Ambry Genetics
Classification: Uncertain significance for Hereditary cancer-predisposing syndrome. Last evaluated: 2024-03-08. Review status: criteria provided, single submitter. Criteria: Ambry Variant Classification Scheme 2023. Collection method: clinical testing. Allele origin: germline.
Comment: The p.T314I variant (also known as c.941C>T), located in coding exon 7 of the RAD50 gene, results from a C to T substitution at nucleotide position 941. The threonine at codon 314 is replaced by isoleucine, an amino acid with similar properties. This amino acid position is conserved. In addition, this alteration is predicted to be tolerated by in silico analysis. Based on the available evidence, the clinical significance of this alteration remains unclear.

Labcorp Genetics (formerly Invitae), Labcorp
Classification: Uncertain significance for Hereditary cancer-predisposing syndrome. Last evaluated: 2023-04-24. Review status: criteria provided, single submitter. Criteria: Invitae Variant Classification Sherloc (09022015). Collection method: clinical testing. Allele origin: germline.
Comment: This variant has not been reported in the literature in individuals affected with RAD50-related conditions. ClinVar contains an entry for this variant (Variation ID: 1361681). Advanced modeling of protein sequence and biophysical properties (such as structural, functional, and spatial information, amino acid conservation, physicochemical variation, residue mobility, and thermodynamic stability) performed at Invitae indicates that this missense variant is not expected to disrupt RAD50 protein function. In summary, the available evidence is currently insufficient to determine the role of this variant in disease. Therefore, it has been classified as a Variant of Uncertain Significance. This variant is not present in population databases (gnomAD no frequency). This sequence change replaces threonine, which is neutral and polar, with isoleucine, which is neutral and non-polar, at codon 314 of the RAD50 protein (p.Thr314Ile).

NM_005732.4(RAD50):c.941C>T (p.Thr314Ile)

Gene: RAD50 (RAD50 double strand break repair protein; plus strand). Cytogenetic location: 5q31.1.
Variant type: single nucleotide variant.
Coding change: c.941C>T on transcript NM_005732.4 (MANE Select); coding-DNA position 941, C replaced by T.
Protein change: p.Thr314Ile; replaces threonine 314 with isoleucine.
Molecular consequence: missense variant.
Genome position (GRCh38, 1-based): chr5:132,587,979, C>T. VCF-style: chr5-132587979-C-T. GRCh37 (hg19) VCF-style: chr5-131923671-C-T.
Other names: c.941C>T (NM_005732.3); short protein forms T314I.
Identifiers: ClinVar variation 1361681 (VCV001361681.9), dbSNP rs876660884, ClinGen allele CA360941016.